The following is an entry in ClinVar:

ClinVar aggregate classification (germline): Uncertain significance (1 of 4 stars; one submission).

gnomAD v4.1: 2 of 1,609,922 alleles (0.00012%); highest among the groups gnomAD compares: Non-Finnish European, 0.00017%; no homozygotes.

Submission:

Labcorp Genetics (formerly Invitae), Labcorp
Classification: Uncertain significance. Last evaluated: 2025-06-06. Review status: criteria provided, single submitter. Criteria: Invitae Variant Classification Sherloc (09022015). Collection method: clinical testing. Allele origin: germline.
Comment: This sequence change replaces valine, which is neutral and non-polar, with phenylalanine, which is neutral and non-polar, at codon 578 of the JAK2 protein (p.Val578Phe). This variant is not present in population databases (gnomAD no frequency). This missense change has been observed in individual(s) with thrombocytosis (internal data). It has also been observed to segregate with disease in related individuals. Invitae Evidence Modeling of protein sequence and biophysical properties (such as structural, functional, and spatial information, amino acid conservation, physicochemical variation, residue mobility, and thermodynamic stability) indicates that this missense variant is expected to disrupt JAK2 protein function with a positive predictive value of 80%. In summary, the available evidence is currently insufficient to determine the role of this variant in disease. Therefore, it has been classified as a Variant of Uncertain Significance.

NM_004972.4(JAK2):c.1732G>T (p.Val578Phe)

Genes: INSL6 (insulin like 6; minus strand), JAK2 (Janus kinase 2; plus strand). Cytogenetic location: 9p24.1.
Variant type: single nucleotide variant.
Coding change: c.1732G>T on transcript NM_004972.4 (MANE Select); coding-DNA position 1732, G replaced by T.
Protein change: p.Val578Phe; replaces valine 578 with phenylalanine.
Molecular consequence: missense variant. On other transcripts: non-coding transcript variant (2).
Genome position (GRCh38, 1-based): chr9:5,072,582, G>T. VCF-style: chr9-5072582-G-T. GRCh37 (hg19) VCF-style: chr9-5072582-G-T.
Other names: c.1732G>T, p.Val578Phe (NM_001322194.2, NM_001322195.2, NM_001322196.2); c.517G>T, p.Val173Phe (NM_001322198.2, NM_001322199.2); c.1285G>T, p.Val429Phe (NM_001322204.2); short protein forms V578F, V173F, V429F.
Identifiers: ClinVar variation 4745002 (VCV004745002.1).
Genomic context (GRCh38, chr9:5,072,582, plus strand): 5'-AAGATTTTTAAAGGCGTACGAAGAGAAGTAGGAGACTACGGTCAACTGCATGAAACAGAA[G>T]TTCTTTTAAAAGTTCTGGATAAAGCACACAGAAACTATTCAGAGGTGTGTATGTTCTTTA-3'
Protein context (NP_004963.1, residues 568-588): GDYGQLHETE[Val578Phe]LLKVLDKAHR